The following is an entry in ClinVar:

NM_001211.6(BUB1B):c.1792A>T (p.Asn598Tyr)

Gene: BUB1B (BUB1 mitotic checkpoint serine/threonine kinase B; plus strand). Cytogenetic location: 15q15.1.
Variant type: single nucleotide variant.
Coding change: c.1792A>T on transcript NM_001211.6 (MANE Select); coding-DNA position 1792, A replaced by T.
Protein change: p.Asn598Tyr; replaces asparagine 598 with tyrosine.
Molecular consequence: missense variant.
Genome position (GRCh38, 1-based): chr15:40,206,241, A>T. VCF-style: chr15-40206241-A-T. GRCh37 (hg19) VCF-style: chr15-40498442-A-T.
Other names: short protein forms N598Y.
Identifiers: ClinVar variation 1780207 (VCV001780207.5), dbSNP rs1202222343, ClinGen allele CA391692384.

ClinVar aggregate classification (germline): Uncertain significance. Review status: criteria provided, multiple submitters, no conflicts (2 of 4 stars). 2 submissions from 2 submitters: Uncertain significance (2). Last evaluated 2023-03-28.

Conditions:
Inborn genetic diseases. Identifiers: MedGen C0950123, MeSH D030342.
Mosaic variegated aneuploidy syndrome 1 (MVA1). Also called: Warburton-Anyane-Yeboa syndrome. Identifiers: Orphanet 1052, MedGen C1850343, MONDO:0009759, OMIM 257300.

gnomAD v4.1: 3 of 1,614,200 alleles (0.00019%); highest among the groups gnomAD compares: Non-Finnish European, 0.00025%; no homozygotes.

Submissions (2):

Labcorp Genetics (formerly Invitae), Labcorp
Classification: Uncertain significance for Mosaic variegated aneuploidy syndrome 1. Last evaluated: 2023-03-28. Review status: criteria provided, single submitter. Criteria: Invitae Variant Classification Sherloc (09022015). Collection method: clinical testing. Allele origin: germline.
Comment: In summary, the available evidence is currently insufficient to determine the role of this variant in disease. Therefore, it has been classified as a Variant of Uncertain Significance. An algorithm developed to predict the effect of missense changes on protein structure and function (PolyPhen-2) suggests that this variant is likely to be disruptive. ClinVar contains an entry for this variant (Variation ID: 1780207). This variant has not been reported in the literature in individuals affected with BUB1B-related conditions. This variant is present in population databases (no rsID available, gnomAD 0.0009%). This sequence change replaces asparagine, which is neutral and polar, with tyrosine, which is neutral and polar, at codon 598 of the BUB1B protein (p.Asn598Tyr).

Ambry Genetics
Classification: Uncertain significance for Inborn genetic diseases. Last evaluated: 2021-08-22. Review status: criteria provided, single submitter. Criteria: Ambry Variant Classification Scheme 2023. Collection method: clinical testing. Allele origin: germline.
Comment: The p.N598Y variant (also known as c.1792A>T), located in coding exon 15 of the BUB1B gene, results from an A to T substitution at nucleotide position 1792. The asparagine at codon 598 is replaced by tyrosine, an amino acid with dissimilar properties. This amino acid position is conserved. In addition, the in silico prediction for this alteration is inconclusive. Since supporting evidence is limited at this time, the clinical significance of this alteration remains unclear.